The following is an entry in ClinVar:

NM_006147.4(IRF6):c.1190T>C (p.Val397Ala)

Gene: IRF6 (interferon regulatory factor 6; minus strand). Cytogenetic location: 1q32.2.
Variant type: single nucleotide variant.
Coding change: c.1190T>C on transcript NM_006147.4 (MANE Select); coding-DNA position 1190, T replaced by C.
Protein change: p.Val397Ala; replaces valine 397 with alanine.
Molecular consequence: missense variant.
Genome position (GRCh38, 1-based): chr1:209,788,634, A>G on the plus strand (T>C on the coding strand, the complement: IRF6 is on the minus strand). VCF-style: chr1-209788634-A-G. GRCh37 (hg19) VCF-style: chr1-209961979-A-G.
Other names: c.905T>C, p.Val302Ala (NM_001206696.2); short protein forms V302A, V397A.
Identifiers: ClinVar variation 2202930 (VCV002202930.4), dbSNP rs2464664124, ClinGen allele CA344573592.
Genomic context (GRCh38, chr1:209,788,634, plus strand): 5'-CCACTATCAAAGGATCGTGTGAAATCACCAGAAAACATCTCGTAGATCATCCGAGCCACT[A>G]CTGGAATGACCTGTTCAGGACACAGAACACAGGTGTATCCTCTGAGGAAAAGGTATTTTT-3'
Protein context (NP_006138.1, residues 387-407): RKLILVQVIP[Val397Ala]VARMIYEMFS

ClinVar aggregate classification (germline): Uncertain significance (1 of 4 stars; one submission).

Conditions:
Popliteal pterygium syndrome (PPS). Identifiers: MONDO:0017435, Orphanet 294963, MedGen C0265259.
Van der Woude syndrome. Identifiers: Orphanet 888, MedGen C0175697, MONDO:0019508.
Orofacial cleft 6, susceptibility to (OFC6). Also called: CLEFT LIP WITH OR WITHOUT CLEFT PALATE, NONSYNDROMIC, 6. Identifiers: MedGen C1837213, MONDO:0012141, OMIM 608864.

Submission:

Labcorp Genetics (formerly Invitae), Labcorp
Classification: Uncertain significance for Orofacial cleft 6, susceptibility to; Van der Woude syndrome; Popliteal pterygium syndrome. Last evaluated: 2022-07-16. Review status: criteria provided, single submitter. Criteria: Invitae Variant Classification Sherloc (09022015). Collection method: clinical testing. Allele origin: germline.
Comment: This sequence change replaces valine, which is neutral and non-polar, with alanine, which is neutral and non-polar, at codon 397 of the IRF6 protein (p.Val397Ala). This variant is not present in population databases (gnomAD no frequency). This missense change has been observed in individuals with clinical features of Van der Woude syndrome (PMID: 19282774; Invitae). Algorithms developed to predict the effect of missense changes on protein structure and function (SIFT, PolyPhen-2, Align-GVGD) all suggest that this variant is likely to be disruptive. In summary, the available evidence is currently insufficient to determine the role of this variant in disease. Therefore, it has been classified as a Variant of Uncertain Significance.

Literature cited by the submitters: PubMed 19282774.